The following is an entry in ClinVar:

ClinVar aggregate classification (germline): Benign/Likely benign. Review status: criteria provided, multiple submitters, no conflicts (2 of 4 stars). 3 submissions from 3 submitters: Benign (1); Likely benign (2). Last evaluated 2024-11-08.

Conditions:
Hereditary cancer-predisposing syndrome. Also called: Tumor predisposition; Hereditary neoplastic syndrome; Hereditary Cancer Syndrome; Neoplastic Syndromes, Hereditary. Identifiers: Orphanet 140162, MedGen C0027672, MeSH D009386, MONDO:0015356.
Renal cell carcinoma. Identifiers: Orphanet 217071, MedGen C0007134, MeSH D002292, MONDO:0005086, HP:0005584.
Papillary renal cell carcinoma type 1 (RCCP1). Also called: RENAL CELL CARCINOMA, PAPILLARY, 1, SOMATIC; Renal adenocarcinoma; Renal cell carcinoma 1; Renal cell carcinoma, somatic. Identifiers: Orphanet 47044, MedGen C1336839, OMIM 605074, HP:0011797.

Allele frequency attached by ClinVar (database versions not stated): gnomAD 0.00001.
gnomAD v4.1: 1 of 1,613,848 alleles (0.000062%); highest among the groups gnomAD compares: East Asian, 0.0022%; no homozygotes.

Submissions (3):

Myriad Genetics, Inc.
Classification: Benign for Papillary renal cell carcinoma type 1. Last evaluated: 2024-11-08. Review status: criteria provided, single submitter. Criteria: Myriad Autosomal Dominant, Autosomal Recessive and X-Linked Classification Criteria (2023). Collection method: clinical testing. Allele origin: unknown.
Comment: This variant is considered benign. This variant is a silent/synonymous amino acid change and it is not expected to impact splicing.

Ambry Genetics
Classification: Likely benign for Hereditary cancer-predisposing syndrome. Last evaluated: 2023-09-20. Review status: criteria provided, single submitter. Criteria: Ambry Variant Classification Scheme 2023. Collection method: clinical testing. Allele origin: germline.

Labcorp Genetics (formerly Invitae), Labcorp
Classification: Likely benign for Renal cell carcinoma. Last evaluated: 2022-09-07. Review status: criteria provided, single submitter. Criteria: Invitae Variant Classification Sherloc (09022015). Collection method: clinical testing. Allele origin: germline.

NM_000245.4(MET):c.2046A>G (p.Leu682=)

Gene: MET (MET proto-oncogene, receptor tyrosine kinase; plus strand). Cytogenetic location: 7q31.2.
Variant type: single nucleotide variant.
Coding change: c.2046A>G on transcript NM_000245.4 (MANE Select); coding-DNA position 2046, A replaced by G.
Protein change: p.Leu682=; no amino-acid change (leucine 682 retained).
Molecular consequence: synonymous variant.
Genome position (GRCh38, 1-based): chr7:116,757,718, A>G. VCF-style: chr7-116757718-A-G. GRCh37 (hg19) VCF-style: chr7-116397772-A-G.
Other names: c.2046A>G (NM_001127500.1); c.2046A>G, p.Leu682= (NM_001127500.3, NM_001324401.3); c.756A>G, p.Leu252= (NM_001324402.2).
Identifiers: ClinVar variation 1670661 (VCV001670661.10), dbSNP rs760609715, ClinGen allele CA457216551.
Genomic context (GRCh38, chr7:116,757,718, plus strand): 5'-TTCGCCGAAATACGGTCCTATGGCTGGTGGCACTTTACTTACTTTAACTGGAAATTACCT[A>G]AACAGTGGGAATTCTAGACACATTTCAATTGGTGGAAAAACATGTACTTTAAAAAGGTGT-3'
Protein context (NP_000236.2, residues 672-692): GTLLTLTGNY[Leu682=]NSGNSRHISI